The following is an entry in ClinVar:

ClinVar aggregate classification (germline): Likely benign (1 of 4 stars; one submission).

Conditions:
Papillary renal cell carcinoma type 1 (RCCP1). Also called: Renal adenocarcinoma; Renal cell carcinoma 1; Renal cell carcinoma, somatic; RENAL CELL CARCINOMA, PAPILLARY, 1, SOMATIC. Identifiers: Orphanet 47044, MedGen C1336839, OMIM 605074, HP:0011797.

Submission:

Myriad Genetics, Inc.
Classification: Likely benign for Papillary renal cell carcinoma type 1. Last evaluated: 2024-11-12. Review status: criteria provided, single submitter. Criteria: Myriad Autosomal Dominant, Autosomal Recessive and X-Linked Classification Criteria (2023). Collection method: clinical testing. Allele origin: unknown.
Comment: This variant is considered likely benign. This variant is intronic and is not expected to impact mRNA splicing.

NM_000245.4(MET):c.2730+3G>A

Gene: MET (MET proto-oncogene, receptor tyrosine kinase; plus strand). Cytogenetic location: 7q31.2.
Variant type: single nucleotide variant.
Coding change: c.2730+3G>A on transcript NM_000245.4 (MANE Select); 3 bases into the intron after coding-DNA position 2730, G replaced by A.
Molecular consequence: intron variant. On other transcripts: synonymous variant (1).
Genome position (GRCh38, 1-based): chr7:116,769,794, G>A. VCF-style: chr7-116769794-G-A. GRCh37 (hg19) VCF-style: chr7-116409848-G-A.
Other names: c.2733G>A, p.Val911= (NM_001324401.3); c.2784+3G>A (NM_001127500.3); c.1440+3G>A (NM_001324402.2).
Identifiers: ClinVar variation 3773018 (VCV003773018.1).
Genomic context (GRCh38, chr7:116,769,794, plus strand): 5'-CGTTTTATGCACGGTCCCCAATGACCTGCTGAAATTGAACAGCGAGCTAAATATAGAGGT[G>A]GGATTCCTGCATTCCTCTCATGATGTAAATAAGGAAGCCAGTGTAATTATGTTATTCTCA-3'